The following is an entry in ClinVar:

NM_181552.4(CUX1):c.4352G>T (p.Arg1451Leu)

Gene: CUX1 (cut like homeobox 1; plus strand). Cytogenetic location: 7q22.1.
Variant type: single nucleotide variant.
Coding change: c.4352G>T on transcript NM_181552.4 (MANE Select); coding-DNA position 4352, G replaced by T.
Protein change: p.Arg1451Leu; replaces arginine 1451 with leucine.
Molecular consequence: missense variant. On other transcripts: intron variant (5).
Genome position (GRCh38, 1-based): chr7:102,248,876, G>T. VCF-style: chr7-102248876-G-T. GRCh37 (hg19) VCF-style: chr7-101892156-G-T.
Other names: c.4385G>T, p.Arg1462Leu (NM_001202543.2); c.1256-24490G>T (NM_001913.5); c.1250-24490G>T (NM_181500.4); c.1118-24490G>T (NM_001202545.3); c.1208-24490G>T (NM_001202544.3); c.1139-24490G>T (NM_001202546.3); short protein forms R1451L, R1462L.
Identifiers: ClinVar variation 3026176 (VCV003026176.22), dbSNP rs782575248, ClinGen allele CA4411524.
Genomic context (GRCh38, chr7:102,248,876, plus strand): 5'-GCCCCGCGGCCCCGAGCTCCGCGCCGCCGCCCAGCAACAGCAGCAGCAGCAGCGCCCCCC[G>T]CAGGCCCAGCTCGCTGCAGAGCCTTTTCGGCCTCCCCGAGGCCGCGGGCGCCCGGGACTC-3'
Protein context (NP_853530.2, residues 1441-1461): PSNSSSSSAP[Arg1451Leu]RPSSLQSLFG

ClinVar aggregate classification (germline): Uncertain significance (1 of 4 stars; one submission).

gnomAD v4.1: 2 of 1,343,180 alleles (0.00015%); highest among the groups gnomAD compares: African/African-American, 0.0015%; no homozygotes.

Submission:

CeGaT Center for Human Genetics Tuebingen
Classification: Uncertain significance. Last evaluated: 2024-01-01. Review status: criteria provided, single submitter. Criteria: CeGaT Center For Human Genetics Tuebingen Variant Classification Criteria Version 2. Collection method: clinical testing. Allele origin: germline. Affected: yes. Observed: 1 variant allele.
Comment: CUX1: PM2, PP2